The following is an entry in ClinVar:

ClinVar aggregate classification (germline): Likely benign (1 of 4 stars; one submission).

Submission:

CeGaT Center for Human Genetics Tuebingen
Classification: Likely benign. Last evaluated: 2023-07-01. Review status: criteria provided, single submitter. Criteria: CeGaT Center For Human Genetics Tuebingen Variant Classification Criteria Version 2. Collection method: clinical testing. Allele origin: germline. Affected: yes. Observed: 1 variant allele.
Comment: ARHGAP24: PM2:Supporting, BP4, BP7

NM_001025616.3(ARHGAP24):c.591A>G (p.Ser197=)

Gene: ARHGAP24 (Rho GTPase activating protein 24; plus strand). Cytogenetic location: 4q21.23.
Variant type: single nucleotide variant.
Coding change: c.591A>G on transcript NM_001025616.3 (MANE Select); coding-DNA position 591, A replaced by G.
Protein change: p.Ser197=; no amino-acid change (serine 197 retained).
Molecular consequence: synonymous variant. On other transcripts: intron variant (1).
Genome position (GRCh38, 1-based): chr4:85,942,265, A>G. VCF-style: chr4-85942265-A-G. GRCh37 (hg19) VCF-style: chr4-86863418-A-G.
Other names: c.306A>G, p.Ser102= (NM_001042669.2); c.336A>G, p.Ser112= (NM_001287805.2); c.312A>G, p.Ser104= (NM_031305.3); c.20+18495A>G (NM_001346093.2).
Identifiers: ClinVar variation 2578964 (VCV002578964.25), dbSNP rs1306302298, ClinGen allele CA440214512.